The following is an entry in ClinVar:

ClinVar aggregate classification (germline): Conflicting classifications of pathogenicity. Review status: criteria provided, conflicting classifications (1 of 4 stars). 2 submissions from 2 submitters: Uncertain significance (1); Likely benign (1). Last evaluated 2025-10-29.

Conditions:
Early Myoclonic Encephalopathy. Identifiers: MedGen C0270855.

Allele frequency attached by ClinVar (database versions not stated): TOPMed 0.00007; ExAC 0.00002; gnomAD 0.00007 and 0.00008; 1000 Genomes Project 30x 0.00016; gnomAD exomes 0.00002; 1000 Genomes Project 0.00020.
gnomAD v4.1: 34 of 1,613,738 alleles (0.0021%); highest among the groups gnomAD compares: African/African-American, 0.023%; no homozygotes.

Submissions (2):

Labcorp Genetics (formerly Invitae), Labcorp
Classification: Uncertain significance for Early Myoclonic Encephalopathy. Last evaluated: 2025-10-29. Review status: criteria provided, single submitter. Criteria: Invitae Variant Classification Sherloc (09022015). Collection method: clinical testing. Allele origin: germline.
Comment: This sequence change replaces arginine, which is basic and polar, with glutamine, which is neutral and polar, at codon 449 of the JMJD1C protein (p.Arg449Gln). This variant is present in population databases (rs562218545, gnomAD 0.03%). This variant has not been reported in the literature in individuals affected with JMJD1C-related conditions. ClinVar contains an entry for this variant (Variation ID: 1020632). Invitae Evidence Modeling of protein sequence and biophysical properties (such as structural, functional, and spatial information, amino acid conservation, physicochemical variation, residue mobility, and thermodynamic stability) indicates that this missense variant is not expected to disrupt JMJD1C protein function with a negative predictive value of 80%. In summary, the available evidence is currently insufficient to determine the role of this variant in disease. Therefore, it has been classified as a Variant of Uncertain Significance.

Ambry Genetics
Classification: Likely benign. Last evaluated: 2025-07-15. Review status: criteria provided, single submitter. Criteria: Ambry Variant Classification Scheme 2023. Collection method: clinical testing. Allele origin: germline.

NM_032776.3(JMJD1C):c.1346G>A (p.Arg449Gln)

Gene: JMJD1C (jumonji domain containing 1C; minus strand). Cytogenetic location: 10q21.3.
Variant type: single nucleotide variant.
Coding change: c.1346G>A on transcript NM_032776.3 (MANE Select); coding-DNA position 1346, G replaced by A.
Protein change: p.Arg449Gln; replaces arginine 449 with glutamine.
Molecular consequence: missense variant. On other transcripts: non-coding transcript variant (1).
Genome position (GRCh38, 1-based): chr10:63,214,821, C>T on the plus strand (G>A on the coding strand, the complement: JMJD1C is on the minus strand). VCF-style: chr10-63214821-C-T. GRCh37 (hg19) VCF-style: chr10-64974581-C-T.
Other names: c.1346G>A (NM_032776.1); c.800G>A, p.Arg267Gln (NM_001282948.2, NM_001318154.2); c.482G>A, p.Arg161Gln (NM_001318153.2); c.1232G>A, p.Arg411Gln (NM_001322252.2); c.689G>A, p.Arg230Gln (NM_001322254.2, NM_001322258.2); short protein forms R161Q, R230Q, R267Q, R411Q, R449Q.
Identifiers: ClinVar variation 1020632 (VCV001020632.10), dbSNP rs562218545, ClinGen allele CA5518821.